The following is an entry in ClinVar:

NM_021098.3(CACNA1H):c.128G>T (p.Gly43Val)

Gene: CACNA1H (calcium voltage-gated channel subunit alpha1 H; plus strand). Cytogenetic location: 16p13.3.
Variant type: single nucleotide variant.
Coding change: c.128G>T on transcript NM_021098.3 (MANE Select); coding-DNA position 128, G replaced by T.
Protein change: p.Gly43Val; replaces glycine 43 with valine.
Molecular consequence: missense variant.
Genome position (GRCh38, 1-based): chr16:1,153,865, G>T. VCF-style: chr16-1153865-G-T. GRCh37 (hg19) VCF-style: chr16-1203865-G-T.
Other names: c.128G>T, p.Gly43Val (NM_001005407.2); short protein forms G43V.
Identifiers: ClinVar variation 999982 (VCV000999982.8), dbSNP rs1227599612, ClinGen allele CA394145609.
Genomic context (GRCh38, chr16:1,153,865, plus strand): 5'-CGGCGTTGGTGGGGGCGTCCCCGGAGAGCCCCGGGGCGCCGGGACGCGAGGCGGAGCGGG[G>T]GTCCGAGCTCGGCGTGTCACCCTCCGAGAGCCCGGCGGCCGAGCGCGGCGCGGAGCTGGG-3'
Protein context (NP_066921.2, residues 33-53): PGAPGREAER[Gly43Val]SELGVSPSES

ClinVar aggregate classification (germline): Uncertain significance (1 of 4 stars; one submission).

Conditions:
Idiopathic generalized epilepsy. Also called: Generalised epilepsy; EIG. Identifiers: MedGen C0270850, MONDO:0005579, OMIM 600669.
Hyperaldosteronism, familial, type IV (HALD4). Also called: FH IV; ALDOSTERONISM, PRIMARY, AND HYPERTENSION. Identifiers: Orphanet 642671, MedGen C4310756, MONDO:0014875, OMIM 617027.

gnomAD v4.1: 2 of 1,385,716 alleles (0.00014%); highest among the groups gnomAD compares: Non-Finnish European, 0.00019%; no homozygotes.

Submission:

Labcorp Genetics (formerly Invitae), Labcorp
Classification: Uncertain significance for Idiopathic generalized epilepsy; Hyperaldosteronism, familial, type IV. Last evaluated: 2020-08-27. Review status: criteria provided, single submitter. Criteria: Invitae Variant Classification Sherloc (09022015). Collection method: clinical testing. Allele origin: germline.
Comment: This sequence change replaces glycine with valine at codon 43 of the CACNA1H protein (p.Gly43Val). The glycine residue is weakly conserved and there is a moderate physicochemical difference between glycine and valine. The frequency data for this variant in the population databases is considered unreliable, as metrics indicate insufficient coverage at this position in the ExAC database. This variant has not been reported in the literature in individuals with CACNA1H-related conditions. Advanced modeling of protein sequence and biophysical properties (such as structural, functional, and spatial information, amino acid conservation, physicochemical variation, residue mobility, and thermodynamic stability) performed at Invitae indicates that this missense variant is not expected to disrupt CACNA1H protein function. In summary, the available evidence is currently insufficient to determine the role of this variant in disease. Therefore, it has been classified as a Variant of Uncertain Significance.